The following is an entry in ClinVar:

ClinVar aggregate classification (germline): Benign. Review status: criteria provided, multiple submitters, no conflicts (2 of 4 stars). 2 submissions from 2 submitters: Benign (2). Last evaluated 2018-01-12.

Conditions:
Griscelli syndrome type 2 (GS2). Also called: GRISCELLI SYNDROME WITH HEMOPHAGOCYTIC SYNDROME; PAID SYNDROME; PARTIAL ALBINISM AND IMMUNODEFICIENCY SYNDROME. Identifiers: Orphanet 381, Orphanet 79477, MedGen C1868679, MONDO:0011872, OMIM 607624.

Allele frequency attached by ClinVar (database versions not stated): 1000 Genomes Project 0.26498; gnomAD 0.26706 and 0.27447; 1000 Genomes Project 30x 0.27108; TOPMed 0.27694.

Submissions (2):

Illumina Laboratory Services, Illumina
Classification: Benign for Griscelli syndrome type 2. Last evaluated: 2018-01-12. Review status: criteria provided, single submitter. Criteria: ICSL Variant Classification Criteria 13 December 2019. Collection method: clinical testing. Allele origin: germline.
Comment: This variant was observed in the ICSL laboratory as part of a predisposition screen in an ostensibly healthy population. It had not been previously curated by ICSL or reported in the Human Gene Mutation Database (HGMD: prior to June 1st, 2018), and was therefore a candidate for classification through an automated scoring system. Utilizing variant allele frequency, disease prevalence and penetrance estimates, and inheritance mode, an automated score was calculated to assess if this variant is too frequent to cause the disease. Based on the score and internal cut-off values, a variant classified as benign is not then subjected to further curation. The score for this variant resulted in a classification of benign for this disease.

Breakthrough Genomics
Classification: Benign. Review status: criteria provided, single submitter. Criteria: ACMG Guidelines, 2015. Collection method: not provided. Allele origin: germline. Inheritance: Autosomal recessive inheritance. Affected: yes.

NM_183235.3(RAB27A):c.*949A>G

Gene: RAB27A (RAB27A, member RAS oncogene family; minus strand). Cytogenetic location: 15q21.3.
Variant type: single nucleotide variant.
Coding change: c.*949A>G on transcript NM_183235.3 (MANE Select); 949 bases downstream of the stop codon, A replaced by G.
Molecular consequence: 3 prime UTR variant.
Genome position (GRCh38, 1-based): chr15:55,204,558, T>C on the plus strand (A>G on the coding strand, the complement: RAB27A is on the minus strand). VCF-style: chr15-55204558-T-C. GRCh37 (hg19) VCF-style: chr15-55496756-T-C.
Other names: c.*949A>G (NM_004580.5, NM_183234.3, NM_183236.3).
Identifiers: ClinVar variation 316633 (VCV000316633.6), dbSNP rs1061873, ClinGen allele CA10646358.